The following is an entry in ClinVar:

NM_032382.5(COG8):c.440A>G (p.Asn147Ser)

Gene: COG8 (component of oligomeric golgi complex 8; minus strand). Cytogenetic location: 16q22.1.
Variant type: single nucleotide variant.
Coding change: c.440A>G on transcript NM_032382.5 (MANE Select); coding-DNA position 440, A replaced by G.
Protein change: p.Asn147Ser; replaces asparagine 147 with serine.
Molecular consequence: missense variant.
Genome position (GRCh38, 1-based): chr16:69,336,650, T>C on the plus strand (A>G on the coding strand, the complement: COG8 is on the minus strand). VCF-style: chr16-69336650-T-C. GRCh37 (hg19) VCF-style: chr16-69370553-T-C.
Other names: c.440A>G, p.Asn147Ser (NM_001374871.1, NM_001379261.1, NM_001379262.1 and 4 more transcripts); short protein forms N147S.
Identifiers: ClinVar variation 1428295 (VCV001428295.7), dbSNP rs543723269, ClinGen allele CA283360225.

ClinVar aggregate classification (germline): Uncertain significance (1 of 4 stars; one submission).

Conditions:
COG8-congenital disorder of glycosylation. Also called: CDG IIh; COG8-CDG. Identifiers: Orphanet 95428, MedGen C1970021, MONDO:0012635, OMIM 611182.

Allele frequency attached by ClinVar (database versions not stated): gnomAD exomes 0.00001; TOPMed 0.00001.

Submission:

Labcorp Genetics (formerly Invitae), Labcorp
Classification: Uncertain significance for COG8-congenital disorder of glycosylation. Last evaluated: 2023-12-06. Review status: criteria provided, single submitter. Criteria: Invitae Variant Classification Sherloc (09022015). Collection method: clinical testing. Allele origin: germline.
Comment: This sequence change replaces asparagine, which is neutral and polar, with serine, which is neutral and polar, at codon 147 of the COG8 protein (p.Asn147Ser). This variant is not present in population databases (gnomAD no frequency). This variant has not been reported in the literature in individuals affected with COG8-related conditions. ClinVar contains an entry for this variant (Variation ID: 1428295). Advanced modeling of protein sequence and biophysical properties (such as structural, functional, and spatial information, amino acid conservation, physicochemical variation, residue mobility, and thermodynamic stability) performed at Invitae indicates that this missense variant is not expected to disrupt COG8 protein function with a negative predictive value of 80%. In summary, the available evidence is currently insufficient to determine the role of this variant in disease. Therefore, it has been classified as a Variant of Uncertain Significance.